The following is an entry in ClinVar:

ClinVar aggregate classification (germline): Uncertain significance (1 of 4 stars; one submission).

Conditions:
Cardiovascular phenotype. Identifiers: MedGen CN230736.

gnomAD v4.1: 3 of 1,613,834 alleles (0.00019%); highest among the groups gnomAD compares: Non-Finnish European, 0.00025%; no homozygotes.

Submission:

Ambry Genetics
Classification: Uncertain significance for Cardiovascular phenotype. Last evaluated: 2025-07-03. Review status: criteria provided, single submitter. Criteria: Ambry Variant Classification Scheme 2023. Collection method: clinical testing. Allele origin: germline.
Comment: The p.E1639G variant (also known as c.4916A>G), located in coding exon 34 of the LAMA4 gene, results from an A to G substitution at nucleotide position 4916. The glutamic acid at codon 1639 is replaced by glycine, an amino acid with similar properties. This amino acid position is highly conserved in available vertebrate species. In addition, this alteration is predicted to be deleterious by in silico analysis. Based on the available evidence, the clinical significance of this variant remains unclear.

NM_001105206.3(LAMA4):c.4937A>G (p.Glu1646Gly)

Gene: LAMA4 (laminin subunit alpha 4; minus strand). Cytogenetic location: 6q21.
Variant type: single nucleotide variant.
Coding change: c.4937A>G on transcript NM_001105206.3 (MANE Select); coding-DNA position 4937, A replaced by G.
Protein change: p.Glu1646Gly; replaces glutamic acid 1646 with glycine.
Molecular consequence: missense variant.
Genome position (GRCh38, 1-based): chr6:112,117,783, T>C on the plus strand (A>G on the coding strand, the complement: LAMA4 is on the minus strand). VCF-style: chr6-112117783-T-C. GRCh37 (hg19) VCF-style: chr6-112438986-T-C.
Other names: c.4916A>G, p.Glu1639Gly (NM_002290.5, NM_001105207.3); short protein forms E1639G, E1646G.
Identifiers: ClinVar variation 4096200 (VCV004096200.1).
Genomic context (GRCh38, chr6:112,117,783, plus strand): 5'-ACATGACTAATGTTACCTAGAACCACGTATCCTCCTTCTGTTGAAAAGTAAGTTCCTGTT[T>C]CCATGGGGCCTTCAAAGCAAGGGGTCACACTGAATGTCTGAGAAGCAGAGGTGATGGAGG-3'
Protein context (NP_001098676.2, residues 1636-1656): SVTPCFEGPM[Glu1646Gly]TGTYFSTEGG